The following is an entry in ClinVar:

NM_001292063.2(OTOG):c.8504T>C (p.Met2835Thr)

Gene: OTOG (otogelin; plus strand). Cytogenetic location: 11p15.1.
Variant type: single nucleotide variant.
Coding change: c.8504T>C on transcript NM_001292063.2 (MANE Select); coding-DNA position 8504, T replaced by C.
Protein change: p.Met2835Thr; replaces methionine 2835 with threonine.
Molecular consequence: missense variant.
Genome position (GRCh38, 1-based): chr11:17,645,606, T>C. VCF-style: chr11-17645606-T-C. GRCh37 (hg19) VCF-style: chr11-17667153-T-C.
Other names: c.8540T>C, p.Met2847Thr (NM_001277269.2); short protein forms M2835T, M2847T.
Identifiers: ClinVar variation 5016783 (VCV005016783.1).

ClinVar aggregate classification (germline): Uncertain significance (1 of 4 stars; one submission).

gnomAD v4.1: 75 of 1,550,646 alleles (0.0048%); highest among the groups gnomAD compares: South Asian, 0.088%; no homozygotes.

Submission:

GeneDx
Classification: Uncertain significance. Last evaluated: 2026-04-02. Review status: criteria provided, single submitter. Criteria: GeneDx Variant Classification Process June 2021. Collection method: clinical testing. Allele origin: germline.
Comment: In silico analysis suggests that this missense variant does not alter protein structure/function; Has not been previously published as pathogenic or benign to our knowledge